The following is an entry in ClinVar:

ClinVar aggregate classification (germline): Uncertain significance. Review status: criteria provided, multiple submitters, no conflicts (2 of 4 stars). 3 submissions from 3 submitters: Uncertain significance (3). Last evaluated 2024-10-22.

Conditions:
Inborn genetic diseases. Identifiers: MedGen C0950123, MeSH D030342.
Spastic paraplegia. Identifiers: MedGen C0037772, HP:0001258.

Allele frequency attached by ClinVar (database versions not stated): ExAC 0.00001; gnomAD 0.00001; gnomAD exomes 0.00001.
gnomAD v4.1: 7 of 1,613,968 alleles (0.00043%); highest among the groups gnomAD compares: South Asian, 0.0011%; no homozygotes.

Submissions (3):

Ambry Genetics
Classification: Uncertain significance for Inborn genetic diseases. Last evaluated: 2024-10-22. Review status: criteria provided, single submitter. Criteria: Ambry Variant Classification Scheme 2023. Collection method: clinical testing. Allele origin: germline.

GeneDx
Classification: Uncertain significance. Last evaluated: 2022-09-16. Review status: criteria provided, single submitter. Criteria: GeneDx Variant Classification Process June 2021. Collection method: clinical testing. Allele origin: germline. Affected: yes.
Comment: Not observed at significant frequency in large population cohorts (gnomAD); In silico analysis supports that this missense variant does not alter protein structure/function; Has not been previously published as pathogenic or benign to our knowledge; This variant is associated with the following publications: (PMID: Arora2019[Thesis])

Labcorp Genetics (formerly Invitae), Labcorp
Classification: Uncertain significance for Spastic paraplegia. Last evaluated: 2022-03-24. Review status: criteria provided, single submitter. Criteria: Invitae Variant Classification Sherloc (09022015). Collection method: clinical testing. Allele origin: germline.
Comment: In summary, the available evidence is currently insufficient to determine the role of this variant in disease. Therefore, it has been classified as a Variant of Uncertain Significance. Advanced modeling of protein sequence and biophysical properties (such as structural, functional, and spatial information, amino acid conservation, physicochemical variation, residue mobility, and thermodynamic stability) performed at Invitae indicates that this missense variant is not expected to disrupt KIF5A protein function. This variant has not been reported in the literature in individuals affected with KIF5A-related conditions. This variant is present in population databases (rs761362390, gnomAD 0.002%). This sequence change replaces isoleucine, which is neutral and non-polar, with valine, which is neutral and non-polar, at codon 591 of the KIF5A protein (p.Ile591Val).

NM_004984.4(KIF5A):c.1771A>G (p.Ile591Val)

Gene: KIF5A (kinesin family member 5A; plus strand). Cytogenetic location: 12q13.3.
Variant type: single nucleotide variant.
Coding change: c.1771A>G on transcript NM_004984.4 (MANE Select); coding-DNA position 1771, A replaced by G.
Protein change: p.Ile591Val; replaces isoleucine 591 with valine.
Molecular consequence: missense variant.
Genome position (GRCh38, 1-based): chr12:57,575,138, A>G. VCF-style: chr12-57575138-A-G. GRCh37 (hg19) VCF-style: chr12-57968921-A-G.
Other names: c.1504A>G, p.Ile502Val (NM_001354705.2); c.1771A>G (NM_004984.2); short protein forms I591V, I502V.
Identifiers: ClinVar variation 1912581 (VCV001912581.7), dbSNP rs761362390, ClinGen allele CA6652919.